The following is an entry in ClinVar:

NM_006922.4(SCN3A):c.1866C>G (p.Asn622Lys)

Gene: SCN3A (sodium voltage-gated channel alpha subunit 3; minus strand). Cytogenetic location: 2q24.3.
Variant type: single nucleotide variant.
Coding change: c.1866C>G on transcript NM_006922.4 (MANE Select); coding-DNA position 1866, C replaced by G.
Protein change: p.Asn622Lys; replaces asparagine 622 with lysine.
Molecular consequence: missense variant.
Genome position (GRCh38, 1-based): chr2:165,140,804, G>C on the plus strand (C>G on the coding strand, the complement: SCN3A is on the minus strand). VCF-style: chr2-165140804-G-C. GRCh37 (hg19) VCF-style: chr2-165997314-G-C.
Other names: c.1866C>G, p.Asn622Lys (NM_001081676.2, NM_001081677.2); short protein forms N622K.
Identifiers: ClinVar variation 4072828 (VCV004072828.1).

ClinVar aggregate classification (germline): Uncertain significance (1 of 4 stars; one submission).

gnomAD v4.1: 5 of 1,614,108 alleles (0.00031%); highest among the groups gnomAD compares: Non-Finnish European, 0.00034%; no homozygotes.

Submission:

GeneDx
Classification: Uncertain significance. Last evaluated: 2025-02-04. Review status: criteria provided, single submitter. Criteria: GeneDx Variant Classification Process June 2021. Collection method: clinical testing. Allele origin: germline. Affected: yes.
Comment: Not observed at significant frequency in large population cohorts (gnomAD); In silico analysis supports that this missense variant has a deleterious effect on protein structure/function; Has not been previously published as pathogenic or benign to our knowledge